The following is an entry in ClinVar:

NM_002907.4(RECQL):c.425C>T (p.Ser142Phe)

Gene: RECQL (RecQ like helicase; minus strand). Cytogenetic location: 12p12.1.
Variant type: single nucleotide variant.
Coding change: c.425C>T on transcript NM_002907.4 (MANE Select); coding-DNA position 425, C replaced by T.
Protein change: p.Ser142Phe; replaces serine 142 with phenylalanine.
Molecular consequence: missense variant.
Genome position (GRCh38, 1-based): chr12:21,486,555, G>A on the plus strand (C>T on the coding strand, the complement: RECQL is on the minus strand). VCF-style: chr12-21486555-G-A. GRCh37 (hg19) VCF-style: chr12-21639489-G-A.
Other names: c.425C>T, p.Ser142Phe (NM_032941.3); short protein forms S142F.
Identifiers: ClinVar variation 3222971 (VCV003222971.1), dbSNP rs2540387274, ClinGen allele CA384130263.

ClinVar aggregate classification (germline): Uncertain significance (1 of 4 stars; one submission).

Submission:

Ambry Genetics
Classification: Uncertain significance. Last evaluated: 2024-02-06. Review status: criteria provided, single submitter. Criteria: Ambry Variant Classification Scheme 2023. Collection method: clinical testing. Allele origin: germline.
Comment: The p.S142F variant (also known as c.425C>T), located in coding exon 4 of the RECQL gene, results from a C to T substitution at nucleotide position 425. The serine at codon 142 is replaced by phenylalanine, an amino acid with highly dissimilar properties. This amino acid position is conserved. In addition, this alteration is predicted to be deleterious by in silico analysis. Based on the available evidence, the clinical significance of this alteration remains unclear.